The following is an entry in ClinVar:

ClinVar aggregate classification (germline): Likely benign. Review status: criteria provided, multiple submitters, no conflicts (2 of 4 stars). 2 submissions from 2 submitters: Likely benign (2). Last evaluated 2026-05-28.

Conditions:
GRK1-related disorder. Also called: GRK1-related condition.

gnomAD v4.1: 40 of 1,534,924 alleles (0.0026%); highest among the groups gnomAD compares: East Asian, 0.069%; no homozygotes.

Submissions (2):

PreventionGenetics, part of Exact Sciences
Classification: Likely benign for GRK1-related condition. Last evaluated: 2026-05-28. Review status: criteria provided, single submitter. Criteria: ACMG Guidelines, 2015. Collection method: clinical testing. Allele origin: germline.
Comment: This variant is classified as likely benign based on ACMG/AMP sequence variant interpretation guidelines (Richards et al. 2015 PMID: 25741868, with internal and published modifications).

Blueprint Genetics
Classification: Likely benign. Last evaluated: 2024-08-28. Review status: criteria provided, single submitter. Criteria: ACMG Guidelines, 2015. Collection method: clinical testing. Allele origin: germline.

NM_002929.3(GRK1):c.1626C>T (p.Asp542=)

Gene: GRK1 (G protein-coupled receptor kinase 1; plus strand). Cytogenetic location: 13q34.
Variant type: single nucleotide variant.
Coding change: c.1626C>T on transcript NM_002929.3 (MANE Select); coding-DNA position 1626, C replaced by T.
Protein change: p.Asp542=; no amino-acid change (aspartic acid 542 retained).
Molecular consequence: synonymous variant.
Genome position (GRCh38, 1-based): chr13:113,735,297, C>T. VCF-style: chr13-113735297-C-T. GRCh37 (hg19) VCF-style: chr13-114438270-C-T.
Other names: c.1626C>T (NM_002929.2).
Identifiers: ClinVar variation 4920794 (VCV004920794.2).